The following is an entry in ClinVar:

NM_001378452.1(ITPR1):c.3621C>G (p.Ser1207Arg)

Gene: ITPR1 (inositol 1,4,5-trisphosphate receptor type 1; plus strand). Cytogenetic location: 3p26.1.
Variant type: single nucleotide variant.
Coding change: c.3621C>G on transcript NM_001378452.1 (MANE Select); coding-DNA position 3621, C replaced by G.
Protein change: p.Ser1207Arg; replaces serine 1207 with arginine.
Molecular consequence: missense variant.
Genome position (GRCh38, 1-based): chr3:4,685,125, C>G. VCF-style: chr3-4685125-C-G. GRCh37 (hg19) VCF-style: chr3-4726809-C-G.
Other names: c.3594C>G, p.Ser1198Arg (NM_001099952.4); c.3576C>G, p.Ser1192Arg (NM_001168272.2); c.3549C>G, p.Ser1183Arg (NM_002222.7); short protein forms S1183R, S1192R, S1198R, S1207R.
Identifiers: ClinVar variation 3696146 (VCV003696146.2).

ClinVar aggregate classification (germline): Uncertain significance (1 of 4 stars; one submission).

gnomAD v4.1: 4 of 1,610,478 alleles (0.00025%); highest among the groups gnomAD compares: East Asian, 0.0089%; no homozygotes.

Submission:

Labcorp Genetics (formerly Invitae), Labcorp
Classification: Uncertain significance. Last evaluated: 2025-01-14. Review status: criteria provided, single submitter. Criteria: Invitae Variant Classification Sherloc (09022015). Collection method: clinical testing. Allele origin: germline.
Comment: This sequence change replaces serine, which is neutral and polar, with arginine, which is basic and polar, at codon 1183 of the ITPR1 protein (p.Ser1183Arg). This variant is present in population databases (rs772079312, gnomAD 0.03%). This variant has not been reported in the literature in individuals affected with ITPR1-related conditions. Invitae Evidence Modeling of protein sequence and biophysical properties (such as structural, functional, and spatial information, amino acid conservation, physicochemical variation, residue mobility, and thermodynamic stability) indicates that this missense variant is not expected to disrupt ITPR1 protein function with a negative predictive value of 95%. In summary, the available evidence is currently insufficient to determine the role of this variant in disease. Therefore, it has been classified as a Variant of Uncertain Significance.